The following is an entry in ClinVar:

ClinVar aggregate classification (germline): Uncertain significance (1 of 4 stars; one submission).

Submission:

GeneDx
Classification: Uncertain significance. Last evaluated: 2023-10-23. Review status: criteria provided, single submitter. Criteria: GeneDx Variant Classification Process June 2021. Collection method: clinical testing. Allele origin: germline. Affected: yes.
Comment: Not observed at significant frequency in large population cohorts (gnomAD); Has not been previously published as pathogenic or benign to our knowledge; In silico analysis suggests this variant may impact gene splicing. In the absence of RNA/functional studies, the actual effect of this sequence change is unknown.

NM_170707.4(LMNA):c.1608+4A>T

Gene: LMNA (lamin A/C; plus strand). Cytogenetic location: 1q22.
Variant type: single nucleotide variant.
Coding change: c.1608+4A>T on transcript NM_170707.4 (MANE Select); 4 bases into the intron after coding-DNA position 1608, A replaced by T.
Molecular consequence: intron variant.
Genome position (GRCh38, 1-based): chr1:156,137,236, A>T. VCF-style: chr1-156137236-A-T. GRCh37 (hg19) VCF-style: chr1-156107027-A-T.
Other names: c.1608+4A>T (NM_001406983.1, NM_001282625.2, NM_001406984.1 and 6 more transcripts); c.1050+4A>T (NM_001407002.1, NM_001406993.1, NM_001407003.1 and 4 more transcripts); c.984+4A>T (NM_001406999.1, NM_001407000.1, NM_001406994.1 and 1 more transcripts); c.1365+4A>T (NM_001406986.1, NM_001406987.1, NM_001282624.2); c.1272+4A>T (NM_001406989.1, NM_001257374.3, NM_001406998.1); c.1311+4A>T (NM_001406988.1).
Identifiers: ClinVar variation 3363281 (VCV003363281.1).